The following is an entry in ClinVar:

ClinVar aggregate classification (germline): Conflicting classifications of pathogenicity. Review status: criteria provided, conflicting classifications (1 of 4 stars). 5 submissions from 5 submitters: Uncertain significance (1); Likely benign (3). 1 of the submissions does not count toward it. Last evaluated 2026-06-01.

Conditions:
FANCD2-related disorder. Also called: FANCD2-related condition.
Fanconi anemia complementation group D2. Also called: FANCD2-Related Fanconi Anemia; FANCONI PANCYTOPENIA, TYPE 4; FANCONI ANEMIA, COMPLEMENTATION GROUP D. Identifiers: Orphanet 84, MedGen C3160738, MONDO:0009214, OMIM 227646.
Fanconi anemia (FA). Also called: Fanconi's anemia. Identifiers: Orphanet 84, MedGen C0015625, MeSH D005199, MONDO:0019391.

Allele frequency attached by ClinVar (database versions not stated): gnomAD 0.00013; 1000 Genomes Project 30x 0.00016; 1000 Genomes Project 0.00020; TOPMed 0.00023; ESP Exome Variant Server 0.00038.
gnomAD v4.1: 575 of 1,612,654 alleles (0.036%); highest among the groups gnomAD compares: South Asian, 0.19%; 2 homozygotes.

Submissions (5):

CeGaT Center for Human Genetics Tuebingen
Classification: Likely benign. Last evaluated: 2026-06-01. Review status: criteria provided, single submitter. Criteria: CeGaT Center For Human Genetics Tuebingen Variant Classification Criteria Version 2. Collection method: clinical testing. Allele origin: germline. Affected: yes. Observed: 3 variant alleles.
Comment: FANCD2: BP4, BP7

Labcorp Genetics (formerly Invitae), Labcorp
Classification: Likely benign for Fanconi anemia. Last evaluated: 2026-01-21. Review status: criteria provided, single submitter. Criteria: Invitae Variant Classification Sherloc (09022015). Collection method: clinical testing. Allele origin: germline.

Blueprint Genetics
Classification: Likely benign. Last evaluated: 2024-11-12. Review status: criteria provided, single submitter. Criteria: ACMG Guidelines, 2015. Collection method: clinical testing. Allele origin: germline.

Illumina Laboratory Services, Illumina
Classification: Uncertain significance for Fanconi anemia complementation group D2. Last evaluated: 2018-01-13. Review status: criteria provided, single submitter. Criteria: ICSL Variant Classification Criteria 13 December 2019. Collection method: clinical testing. Allele origin: germline.

PreventionGenetics, part of Exact Sciences
Classification: Likely benign for FANCD2-related condition. Last evaluated: 2024-03-24. Review status: no assertion criteria provided. Collection method: clinical testing. Allele origin: germline. Not counted in ClinVar's aggregate classification.
Comment: This variant is classified as likely benign based on ACMG/AMP sequence variant interpretation guidelines (Richards et al. 2015 PMID: 25741868, with internal and published modifications).

NM_001018115.3(FANCD2):c.1614A>C (p.Thr538=)

Genes: FANCD2 (FA complementation group D2; plus strand), LOC107303338 (3p25 FANCD2 Alu-mediated recombination region; plus strand). Cytogenetic location: 3p25.3.
Variant type: single nucleotide variant.
Coding change: c.1614A>C on transcript NM_001018115.3 (MANE Select); coding-DNA position 1614, A replaced by C.
Protein change: p.Thr538=; no amino-acid change (threonine 538 retained).
Molecular consequence: synonymous variant. On other transcripts: intron variant (1).
Genome position (GRCh38, 1-based): chr3:10,052,455, A>C. VCF-style: chr3-10052455-A-C. GRCh37 (hg19) VCF-style: chr3-10094139-A-C.
Other names: c.1614A>C (NM_001018115.2); c.1614A>C, p.Thr538= (NM_001319984.2, NM_001374254.1, NM_033084.6); c.1545+2950A>C (NM_001374253.1).
Identifiers: ClinVar variation 695494 (VCV000695494.37), dbSNP rs141824395, ClinGen allele CA2249725.